The following is an entry in ClinVar:

ClinVar aggregate classification (germline): Uncertain significance (1 of 4 stars; one submission).

Allele frequency attached by ClinVar (database versions not stated): gnomAD exomes below 0.00001.
gnomAD v4.1: 2 of 1,614,020 alleles (0.00012%); highest among the groups gnomAD compares: Non-Finnish European, 0.00017%; no homozygotes.

Submission:

Labcorp Genetics (formerly Invitae), Labcorp
Classification: Uncertain significance. Last evaluated: 2020-02-20. Review status: criteria provided, single submitter. Criteria: Invitae Variant Classification Sherloc (09022015). Collection method: clinical testing. Allele origin: germline.
Comment: In summary, the available evidence is currently insufficient to determine the role of this variant in disease. Therefore, it has been classified as a Variant of Uncertain Significance. Algorithms developed to predict the effect of missense changes on protein structure and function are either unavailable or do not agree on the potential impact of this missense change (SIFT: "Tolerated"; PolyPhen-2: "Probably Damaging"; Align-GVGD: "Class C0"). This variant has not been reported in the literature in individuals with LEMD3-related conditions. This variant is not present in population databases (ExAC no frequency). This sequence change replaces cysteine with arginine at codon 593 of the LEMD3 protein (p.Cys593Arg). The cysteine residue is moderately conserved and there is a large physicochemical difference between cysteine and arginine.

NM_014319.5(LEMD3):c.1777T>C (p.Cys593Arg)

Gene: LEMD3 (LEM domain containing 3; plus strand). Cytogenetic location: 12q14.3.
Variant type: single nucleotide variant.
Coding change: c.1777T>C on transcript NM_014319.5 (MANE Select); coding-DNA position 1777, T replaced by C.
Protein change: p.Cys593Arg; replaces cysteine 593 with arginine.
Molecular consequence: missense variant.
Genome position (GRCh38, 1-based): chr12:65,238,670, T>C. VCF-style: chr12-65238670-T-C. GRCh37 (hg19) VCF-style: chr12-65632450-T-C.
Other names: c.1774T>C, p.Cys592Arg (NM_001167614.2); short protein forms C592R, C593R.
Identifiers: ClinVar variation 999738 (VCV000999738.9), dbSNP rs1217209052, ClinGen allele CA385671059.